The following is an entry in ClinVar:

ClinVar aggregate classification (germline): Uncertain significance. Review status: criteria provided, multiple submitters, no conflicts (2 of 4 stars). 2 submissions from 2 submitters: Uncertain significance (2). Last evaluated 2025-12-10.

Conditions:
Cardiovascular phenotype. Identifiers: MedGen CN230736.
Hereditary cancer-predisposing syndrome. Also called: Neoplastic Syndromes, Hereditary; Tumor predisposition; Hereditary neoplastic syndrome; Hereditary Cancer Syndrome. Identifiers: Orphanet 140162, MedGen C0027672, MeSH D009386, MONDO:0015356.
Neurofibromatosis, type 1 (NF1). Also called: NEUROFIBROMATOSIS, TYPE I, SOMATIC; Neurofibromatosis, type I; VON RECKLINGHAUSEN DISEASE; Peripheral type neurofibromatosis. Identifiers: Orphanet 636, MedGen C0027831, MONDO:0018975, OMIM 162200. Disease mechanism: loss of function.

Submissions (2):

Labcorp Genetics (formerly Invitae), Labcorp
Classification: Uncertain significance for Neurofibromatosis, type 1. Last evaluated: 2025-12-10. Review status: criteria provided, single submitter. Criteria: Invitae Variant Classification Sherloc (09022015). Collection method: clinical testing. Allele origin: germline.
Comment: This sequence change falls in intron 1 of the NF1 gene. It does not directly change the encoded amino acid sequence of the NF1 protein. It affects a nucleotide within the consensus splice site. This variant is not present in population databases (gnomAD no frequency). This variant has not been reported in the literature in individuals affected with NF1-related conditions. ClinVar contains an entry for this variant (Variation ID: 1494775). Variants that disrupt the consensus splice site are a relatively common cause of aberrant splicing (PMID: 17576681, 9536098). Algorithms developed to predict the effect of sequence changes on RNA splicing suggest that this variant is not likely to affect RNA splicing. In summary, the available evidence is currently insufficient to determine the role of this variant in disease. Therefore, it has been classified as a Variant of Uncertain Significance.

Ambry Genetics
Classification: Uncertain significance for Cardiovascular phenotype; Hereditary cancer-predisposing syndrome. Last evaluated: 2024-02-24. Review status: criteria provided, single submitter. Criteria: Ambry Variant Classification Scheme 2023. Collection method: clinical testing. Allele origin: germline.
Comment: The c.60+5C>T intronic variant results from a C to T substitution 5 nucleotides after coding exon 1 in the NF1 gene. This nucleotide position is well conserved in available vertebrate species. In silico splice site analysis predicts that this alteration will not have any significant effect on splicing. Based on the available evidence, the clinical significance of this alteration remains unclear.

Literature cited by the submitters: PubMed 17576681 (cited by Labcorp Genetics (formerly Invitae), Labcorp); PubMed 9536098 (cited by Labcorp Genetics (formerly Invitae), Labcorp).

NM_001042492.3(NF1):c.60+5C>T

Genes: MIR4733HG (MIR4733 host gene; minus strand), NF1 (neurofibromin 1; plus strand), LOC111811965 (NF1 (neurofibromin 1) promoter region; plus strand). Cytogenetic location: 17q11.2.
Variant type: single nucleotide variant.
Coding change: c.60+5C>T on transcript NM_001042492.3 (MANE Select); 5 bases into the intron after coding-DNA position 60, C replaced by T.
Molecular consequence: intron variant. On other transcripts: non-coding transcript variant (1).
Genome position (GRCh38, 1-based): chr17:31,095,374, C>T. VCF-style: chr17-31095374-C-T. GRCh37 (hg19) VCF-style: chr17-29422392-C-T.
Other names: c.60+5C>T (NM_000267.4, NM_001128147.3).
Identifiers: ClinVar variation 1494775 (VCV001494775.7), dbSNP rs879413062, ClinGen allele CA499197552.